The following is an entry in ClinVar:

ClinVar aggregate classification (germline): Benign. Review status: criteria provided, multiple submitters, no conflicts (2 of 4 stars). 2 submissions from 2 submitters: Benign (2). Last evaluated 2018-06-19.

Allele frequency attached by ClinVar (database versions not stated): 1000 Genomes Project 30x 0.96393; 1000 Genomes Project 0.96406; TOPMed 0.97352; gnomAD 0.97490 and 0.97640.
gnomAD v4.1: 148,607 of 152,166 alleles (98%); highest among the groups gnomAD compares: Middle Eastern, 100%; 72,660 homozygotes.

Submissions (2):

GeneDx
Classification: Benign. Last evaluated: 2018-06-19. Review status: criteria provided, single submitter. Criteria: GeneDx Variant Classification (06012015). Collection method: clinical testing. Allele origin: germline. Affected: yes.
Comment: This variant is considered likely benign or benign based on one or more of the following criteria: it is a conservative change, it occurs at a poorly conserved position in the protein, it is predicted to be benign by multiple in silico algorithms, and/or has population frequency not consistent with disease.

Breakthrough Genomics
Classification: Benign. Review status: criteria provided, single submitter. Criteria: ACMG Guidelines, 2015. Collection method: not provided. Allele origin: germline. Inheritance: Autosomal recessive inheritance. Affected: yes.

NM_000404.4(GLB1):c.246-194A>G

Gene: GLB1 (galactosidase beta 1; minus strand). Cytogenetic location: 3p22.3.
Variant type: single nucleotide variant.
Coding change: c.246-194A>G on transcript NM_000404.4 (MANE Select); 194 bases into the intron before coding-DNA position 246, A replaced by G.
Molecular consequence: intron variant.
Genome position (GRCh38, 1-based): chr3:33,069,164, T>C on the plus strand (A>G on the coding strand, the complement: GLB1 is on the minus strand). VCF-style: chr3-33069164-T-C. GRCh37 (hg19) VCF-style: chr3-33110656-T-C.
Other names: c.246-194A>G (NM_001393580.1); c.245+3380A>G (NM_001135602.3); c.390-194A>G (NM_001317040.2); c.156-194A>G (NM_001079811.3).
Identifiers: ClinVar variation 678065 (VCV000678065.2), dbSNP rs7610916, ClinGen allele CA72671124.